The following is an entry in ClinVar:

NM_000143.4(FH):c.667A>T (p.Lys223Ter)

Gene: FH (fumarate hydratase; minus strand). Cytogenetic location: 1q43.
Variant type: single nucleotide variant.
Coding change: c.667A>T on transcript NM_000143.4 (MANE Select); coding-DNA position 667, A replaced by T.
Protein change: p.Lys223Ter; replaces lysine 223 with a stop codon.
Molecular consequence: nonsense.
Genome position (GRCh38, 1-based): chr1:241,508,674, T>A on the plus strand (A>T on the coding strand, the complement: FH is on the minus strand). VCF-style: chr1-241508674-T-A. GRCh37 (hg19) VCF-style: chr1-241671974-T-A.
Other names: short protein forms K223*.
Identifiers: ClinVar variation 1391292 (VCV001391292.6), dbSNP rs2147919525, ClinGen allele CA345439282.
Genomic context (GRCh38, chr1:241,508,674, plus strand): 5'-TAAGTGGAACAGCATCCTGAGTATGAGTACGTCCAATCTTGATGATCTGTGCAAACTCTT[T>A]GGATTTTGCATCAAGAGCATCATGTAACTTCTGTAGTCCTGGTAACAGTACTTCATGAAC-3'

ClinVar aggregate classification (germline): Pathogenic (1 of 4 stars; one submission).

Submission:

Labcorp Genetics (formerly Invitae), Labcorp
Classification: Pathogenic. Last evaluated: 2020-11-13. Review status: criteria provided, single submitter. Criteria: Invitae Variant Classification Sherloc (09022015). Collection method: clinical testing. Allele origin: germline.
Comment: This sequence change creates a premature translational stop signal (p.Lys223*) in the FH gene. It is expected to result in an absent or disrupted protein product. Loss-of-function variants in FH are known to be pathogenic (PMID: 11865300, 21398687). This variant is not present in population databases (ExAC no frequency). This variant has not been reported in the literature in individuals with FH-related conditions. For these reasons, this variant has been classified as Pathogenic.

Literature cited by the submitters: PubMed 11865300; PubMed 21398687.